The following is an entry in ClinVar:

NM_000152.5(GAA):c.1609G>A (p.Glu537Lys)

Gene: GAA (alpha glucosidase; plus strand). Cytogenetic location: 17q25.3.
Variant type: single nucleotide variant.
Coding change: c.1609G>A on transcript NM_000152.5 (MANE Select); coding-DNA position 1609, G replaced by A.
Protein change: p.Glu537Lys; replaces glutamic acid 537 with lysine.
Molecular consequence: missense variant.
Genome position (GRCh38, 1-based): chr17:80,110,998, G>A. VCF-style: chr17-80110998-G-A. GRCh37 (hg19) VCF-style: chr17-78084797-G-A.
Other names: c.1609G>A, p.Glu537Lys (NM_001079803.3, NM_001079804.3, NM_001406741.1 and 1 more transcripts); short protein forms E537K.
Identifiers: ClinVar variation 3683888 (VCV003683888.2).

ClinVar aggregate classification (germline): Uncertain significance (1 of 4 stars; one submission).

Conditions:
Glycogen storage disease, type II (IOPD). Also called: Glucosidase acid-1,4-alpha deficiency; Pompe Disease; GLYCOGENOSIS, GENERALIZED, CARDIAC FORM; GSD II; Glycogen storage disease type 2; Acid maltase deficiency disease. Identifiers: Orphanet 365, MedGen C0017921, MONDO:0009290, OMIM 232300.

Submission:

Labcorp Genetics (formerly Invitae), Labcorp
Classification: Uncertain significance for Glycogen storage disease, type II. Last evaluated: 2024-07-13. Review status: criteria provided, single submitter. Criteria: Invitae Variant Classification Sherloc (09022015). Collection method: clinical testing. Allele origin: germline.
Comment: This sequence change replaces glutamic acid, which is acidic and polar, with lysine, which is basic and polar, at codon 537 of the GAA protein (p.Glu537Lys). This variant is not present in population databases (gnomAD no frequency). This variant has not been reported in the literature in individuals affected with GAA-related conditions. Advanced modeling of protein sequence and biophysical properties (such as structural, functional, and spatial information, amino acid conservation, physicochemical variation, residue mobility, and thermodynamic stability) performed at Invitae indicates that this missense variant is not expected to disrupt GAA protein function with a negative predictive value of 95%. In summary, the available evidence is currently insufficient to determine the role of this variant in disease. Therefore, it has been classified as a Variant of Uncertain Significance.